The following is an entry in ClinVar:

ClinVar aggregate classification (germline): Uncertain significance (1 of 4 stars; one submission).

Conditions:
Neurofibromatosis, type 1 (NF1). Also called: Peripheral type neurofibromatosis; Neurofibromatosis, type I; VON RECKLINGHAUSEN DISEASE; NEUROFIBROMATOSIS, TYPE I, SOMATIC. Identifiers: Orphanet 636, MedGen C0027831, MONDO:0018975, OMIM 162200. Disease mechanism: loss of function.

Submission:

Labcorp Genetics (formerly Invitae), Labcorp
Classification: Uncertain significance for Neurofibromatosis, type 1. Last evaluated: 2018-04-25. Review status: criteria provided, single submitter. Criteria: Invitae Variant Classification Sherloc (09022015). Collection method: clinical testing. Allele origin: germline.
Comment: In summary, the available evidence is currently insufficient to determine the role of this variant in disease. Therefore, it has been classified as a Variant of Uncertain Significance. Algorithms developed to predict the effect of missense changes on protein structure and function do not agree on the potential impact of this missense change (SIFT: "Tolerated"; PolyPhen-2: "Probably Damaging"; Align-GVGD: "Class C0"). This variant has not been reported in the literature in individuals with NF1-related disease. This variant is not present in population databases (ExAC no frequency). This sequence change replaces alanine with phenylalanine at codon 1485 of the NF1 protein (p.Ala1485Phe). The alanine residue is highly conserved and there is a moderate physicochemical difference between alanine and phenylalanine.

NM_001042492.3(NF1):c.4516_4517delinsTT (p.Ala1506Phe)

Gene: NF1 (neurofibromin 1; plus strand). Cytogenetic location: 17q11.2.
Variant type: Indel.
Coding change: c.4516_4517delinsTT on transcript NM_001042492.3 (MANE Select); coding-DNA positions 4516 to 4517, GC replaced by TT.
Protein change: p.Ala1506Phe; replaces alanine 1506 with phenylalanine.
Molecular consequence: missense variant.
Genome position (GRCh38, 1-based): chr17:31,260,454-31,260,455, GC replaced by TT. VCF-style: chr17-31260454-GC-TT. GRCh37 (hg19) VCF-style: chr17-29587472-GC-TT.
Other names: c.4453_4454delGCinsTT (NM_000267.3); c.4453_4454delGCinsTT, p.Ala1485Phe (NM_000267.4); short protein forms A1506F, A1485F.
Identifiers: ClinVar variation 580544 (VCV000580544.4), dbSNP rs1567862930, ClinGen allele CA891843826.